The following is an entry in ClinVar:

ClinVar aggregate classification (germline): Likely pathogenic (1 of 4 stars; one submission).

Conditions:
Autosomal recessive limb-girdle muscular dystrophy type 2J (LGMDR10). Also called: Limb-girdle muscular dystrophy, type 2J; MUSCULAR DYSTROPHY, LIMB-GIRDLE, AUTOSOMAL RECESSIVE 10. Identifiers: Orphanet 140922, MedGen C1837342, MONDO:0012127, OMIM 608807.
Dilated cardiomyopathy 1G (CMD1G). Identifiers: Orphanet 154, MedGen C1858763, MONDO:0011400, OMIM 604145.

Submission:

Labcorp Genetics (formerly Invitae), Labcorp
Classification: Likely pathogenic for Dilated cardiomyopathy 1G; Autosomal recessive limb-girdle muscular dystrophy type 2J. Last evaluated: 2025-09-23. Review status: criteria provided, single submitter. Criteria: Invitae Variant Classification Sherloc (09022015). Collection method: clinical testing. Allele origin: germline.
Comment: This sequence change affects a donor splice site in intron 260 of the TTN gene. It is expected to disrupt RNA splicing and likely results in a truncated or disrupted TTN protein. This variant is not present in population databases (gnomAD no frequency). This variant has not been reported in the literature in individuals affected with TTN-related conditions. ClinVar contains an entry for this variant (Variation ID: 2954138). Algorithms developed to predict the effect of sequence changes on RNA splicing suggest that this variant may disrupt the consensus splice site. This variant is located in the A band of TTN (PMID: 25589632). Truncating variants in this region are significantly overrepresented in patients affected with dilated cardiomyopathy (PMID: 25589632). Truncating variants in this region have also been reported in individuals affected with autosomal recessive centronuclear myopathy (PMID: 23975875). In summary, the currently available evidence indicates that the variant is pathogenic, but additional data are needed to prove that conclusively. Therefore, this variant has been classified as Likely Pathogenic.

Literature cited by the submitters: PubMed 25589632; PubMed 23975875.

NM_001267550.2(TTN):c.48760+2T>C

Genes: TTN-AS1 (TTN antisense RNA 1; plus strand), TTN (titin; minus strand), LOC126806426 (BRD4-independent group 4 enhancer GRCh37_chr2:179478848-179480047; plus strand). Cytogenetic location: 2q31.2.
Variant type: single nucleotide variant.
Coding change: c.48760+2T>C on transcript NM_001267550.2 (MANE Select); the canonical splice donor site of the intron after coding-DNA position 48760, T replaced by C.
Molecular consequence: splice donor variant.
Genome position (GRCh38, 1-based): chr2:178,614,845, A>G on the plus strand (T>C on the coding strand, the complement: TTN is on the minus strand). VCF-style: chr2-178614845-A-G. GRCh37 (hg19) VCF-style: chr2-179479572-A-G.
Other names: c.21565+2T>C (NM_003319.4); c.22141+2T>C (NM_133437.4); c.21940+2T>C (NM_133432.3); c.41056+2T>C (NM_133378.4); c.43837+2T>C (NM_001256850.1).
Identifiers: ClinVar variation 2954138 (VCV002954138.3), dbSNP rs1576465489, ClinGen allele CA349608122.